The following is an entry in ClinVar:

NM_001868.4(CPA1):c.15G>A (p.Leu5=)

Gene: CPA1 (carboxypeptidase A1; plus strand). Cytogenetic location: 7q32.2.
Variant type: single nucleotide variant.
Coding change: c.15G>A on transcript NM_001868.4 (MANE Select); coding-DNA position 15, G replaced by A.
Protein change: p.Leu5=; no amino-acid change (leucine 5 retained).
Molecular consequence: synonymous variant.
Genome position (GRCh38, 1-based): chr7:130,380,535, G>A. VCF-style: chr7-130380535-G-A. GRCh37 (hg19) VCF-style: chr7-130020376-G-A.
Identifiers: ClinVar variation 1776148 (VCV001776148.5), dbSNP rs537519042, ClinGen allele CA4484647.

ClinVar aggregate classification (germline): Conflicting classifications of pathogenicity. Review status: criteria provided, conflicting classifications (1 of 4 stars). 2 submissions from 2 submitters: Uncertain significance (1); Likely benign (1). Last evaluated 2025-10-03.

Conditions:
Hereditary pancreatitis (PCTT). Also called: Hereditary chronic pancreatitis; PRSS1-Related Hereditary Pancreatitis. Identifiers: Orphanet 676, MedGen C0238339, MONDO:0008185, OMIM 167800.

Allele frequency attached by ClinVar (database versions not stated): gnomAD exomes below 0.00001; ExAC 0.00001; gnomAD 0.00005; TOPMed 0.00005.
gnomAD v4.1: 11 of 1,316,562 alleles (0.00084%); highest among the groups gnomAD compares: African/African-American, 0.014%; no homozygotes.

Submissions (2):

Ambry Genetics
Classification: Uncertain significance for Hereditary pancreatitis. Last evaluated: 2025-10-03. Review status: criteria provided, single submitter. Criteria: Ambry Variant Classification Scheme 2023. Collection method: clinical testing. Allele origin: germline.
Comment: The c.15G>A variant (also known as p.L5L) is located in coding exon 1 of the CPA1 gene. This variant results from a G to A substitution at nucleotide position 15. This nucleotide substitution does not change the leucine at codon 5. This nucleotide position is highly conserved in available vertebrate species. In silico splice site analysis for this alteration is inconclusive. Based on the available evidence, the clinical significance of this variant remains unclear.

Labcorp Genetics (formerly Invitae), Labcorp
Classification: Likely benign. Last evaluated: 2024-02-12. Review status: criteria provided, single submitter. Criteria: Invitae Variant Classification Sherloc (09022015). Collection method: clinical testing. Allele origin: germline.